The following is an entry in ClinVar:

NM_006946.4(SPTBN2):c.6296C>A (p.Pro2099His)

Gene: SPTBN2 (spectrin beta, non-erythrocytic 2; minus strand). Cytogenetic location: 11q13.2.
Variant type: single nucleotide variant.
Coding change: c.6296C>A on transcript NM_006946.4 (MANE Select); coding-DNA position 6296, C replaced by A.
Protein change: p.Pro2099His; replaces proline 2099 with histidine.
Molecular consequence: missense variant.
Genome position (GRCh38, 1-based): chr11:66,688,247, G>T on the plus strand (C>A on the coding strand, the complement: SPTBN2 is on the minus strand). VCF-style: chr11-66688247-G-T. GRCh37 (hg19) VCF-style: chr11-66455718-G-T.
Other names: c.6296C>A (NM_006946.2); short protein forms P2099H.
Identifiers: ClinVar variation 1147598 (VCV001147598.29), dbSNP rs144563313, ClinGen allele CA6127985.

ClinVar aggregate classification (germline): Conflicting classifications of pathogenicity. Review status: criteria provided, conflicting classifications (1 of 4 stars). 3 submissions from 3 submitters: Uncertain significance (1); Likely benign (2). Last evaluated 2023-09-01.

Conditions:
Inborn genetic diseases. Identifiers: MedGen C0950123, MeSH D030342.

Allele frequency attached by ClinVar (database versions not stated): gnomAD 0.00005 and 0.00008; TOPMed 0.00005; ESP Exome Variant Server 0.00008; gnomAD exomes 0.00008 and 0.00016; ExAC 0.00015.
gnomAD v4.1: 129 of 1,613,426 alleles (0.008%); highest among the groups gnomAD compares: South Asian, 0.041%; 4 homozygotes.

Submissions (3):

CeGaT Center for Human Genetics Tuebingen
Classification: Likely benign. Last evaluated: 2023-09-01. Review status: criteria provided, single submitter. Criteria: CeGaT Center For Human Genetics Tuebingen Variant Classification Criteria Version 2. Collection method: clinical testing. Allele origin: germline. Affected: yes. Observed: 1 variant allele.
Comment: SPTBN2: BP4

Ambry Genetics
Classification: Uncertain significance for Inborn genetic diseases. Last evaluated: 2023-03-01. Review status: criteria provided, single submitter. Criteria: Ambry Variant Classification Scheme 2023. Collection method: clinical testing. Allele origin: germline.

Labcorp Genetics (formerly Invitae), Labcorp
Classification: Likely benign. Last evaluated: 2019-12-07. Review status: criteria provided, single submitter. Criteria: Invitae Variant Classification Sherloc (09022015). Collection method: clinical testing. Allele origin: germline.